The following is an entry in ClinVar:

NM_201384.3(PLEC):c.12232G>A (p.Glu4078Lys)

Gene: PLEC (plectin; minus strand). Cytogenetic location: 8q24.3.
Variant type: single nucleotide variant.
Coding change: c.12232G>A on transcript NM_201384.3 (MANE Select); coding-DNA position 12232, G replaced by A.
Protein change: p.Glu4078Lys; replaces glutamic acid 4078 with lysine.
Molecular consequence: missense variant.
Genome position (GRCh38, 1-based): chr8:143,917,589, C>T on the plus strand (G>A on the coding strand, the complement: PLEC is on the minus strand). VCF-style: chr8-143917589-C-T. GRCh37 (hg19) VCF-style: chr8-144991757-C-T.
Other names: c.12313G>A, p.Glu4105Lys (NM_000445.5); c.12190G>A, p.Glu4064Lys (NM_201378.4); c.12166G>A, p.Glu4056Lys (NM_201379.3); c.12643G>A, p.Glu4215Lys (NM_201380.4); c.12136G>A, p.Glu4046Lys (NM_201381.3); c.12232G>A, p.Glu4078Lys (NM_201382.4); c.12244G>A, p.Glu4082Lys (NM_201383.3); c.12313G>A (NM_000445.3); short protein forms E4046K, E4056K, E4064K, E4078K, E4082K, E4105K, E4215K.
Identifiers: ClinVar variation 196832 (VCV000196832.19), dbSNP rs782767430, ClinGen allele CA244388.
Genomic context (GRCh38, chr8:143,917,589, plus strand): 5'-TCTCCTCCGTGTTAGGGTCAAAGAAGCCCTTGGTGTCGTCCGAGGGGTCGGTCAGGATCT[C>T]GTTCATCTCCTCATCGAAGAGGCCGCGCTTGTAGGCCACCTCCACGGGCAGCCGGTGGCT-3'
Protein context (NP_958786.1, residues 4068-4088): KRGLFDEEMN[Glu4078Lys]ILTDPSDDTK

ClinVar aggregate classification (germline): Uncertain significance. Review status: criteria provided, multiple submitters, no conflicts (2 of 4 stars). 4 submissions from 4 submitters: Uncertain significance (4). Last evaluated 2025-06-13.

Conditions:
Autosomal recessive limb-girdle muscular dystrophy type 2Q (LGMDR17). Also called: MUSCULAR DYSTROPHY, LIMB-GIRDLE, AUTOSOMAL RECESSIVE 17. Identifiers: Orphanet 254361, MedGen C3150989, MONDO:0013390, OMIM 613723.
Epidermolysis bullosa simplex 5B, with muscular dystrophy (EBS5B). Also called: EPIDERMOLYSIS BULLOSA SIMPLEX AND LIMB-GIRDLE MUSCULAR DYSTROPHY; Epidermolysis bullosa simplex with muscular dystrophy. Identifiers: Orphanet 257, MedGen C2931072, MONDO:0009181, OMIM 226670.
Epidermolysis bullosa simplex, Ogna type (EBS5A). Also called: EPIDERMOLYSIS BULLOSA SIMPLEX 5A, OGNA TYPE; Pidermolysis bullosa simplex 5A, Ogna type. Identifiers: Orphanet 79401, MedGen C0432317, MONDO:0007555, OMIM 131950.
Epidermolysis bullosa simplex 5C, with pyloric atresia (EBS5C). Also called: PLEC-Related Epidermolysis Bullosa with Pyloric Atresia; Epidermolysis bullosa simplex with pyloric atresia; PLEC1-Related Epidermolysis Bullosa with Pyloric Atresia. Identifiers: Orphanet 158684, MedGen C2677349, MONDO:0012807, OMIM 612138.
Epidermolysis bullosa simplex with nail dystrophy (EBS5D). Identifiers: MedGen C4225309, MONDO:0014661, OMIM 616487.
Inborn genetic diseases. Identifiers: MedGen C0950123, MeSH D030342.

Allele frequency attached by ClinVar (database versions not stated): gnomAD 0.00001; ExAC 0.00002; gnomAD exomes 0.00002 and 0.00003; TOPMed 0.00004.
gnomAD v4.1: 27 of 1,613,744 alleles (0.0017%); highest among the groups gnomAD compares: Admixed American, 0.005%; no homozygotes.

Submissions (4):

Labcorp Genetics (formerly Invitae), Labcorp
Classification: Uncertain significance for Autosomal recessive limb-girdle muscular dystrophy type 2Q; Epidermolysis bullosa simplex, Ogna type; Epidermolysis bullosa simplex with nail dystrophy; Epidermolysis bullosa simplex 5C, with pyloric atresia; Epidermolysis bullosa simplex 5B, with muscular dystrophy. Last evaluated: 2025-06-13. Review status: criteria provided, single submitter. Criteria: Invitae Variant Classification Sherloc (09022015). Collection method: clinical testing. Allele origin: germline.
Comment: This sequence change replaces glutamic acid, which is acidic and polar, with lysine, which is basic and polar, at codon 4105 of the PLEC protein (p.Glu4105Lys). This variant is present in population databases (rs782767430, gnomAD 0.004%). This variant has not been reported in the literature in individuals affected with PLEC-related conditions. ClinVar contains an entry for this variant (Variation ID: 196832). Invitae Evidence Modeling of protein sequence and biophysical properties (such as structural, functional, and spatial information, amino acid conservation, physicochemical variation, residue mobility, and thermodynamic stability) indicates that this missense variant is not expected to disrupt PLEC protein function with a negative predictive value of 80%. In summary, the available evidence is currently insufficient to determine the role of this variant in disease. Therefore, it has been classified as a Variant of Uncertain Significance.

Ambry Genetics
Classification: Uncertain significance for Inborn genetic diseases. Last evaluated: 2023-12-30. Review status: criteria provided, single submitter. Criteria: Ambry Variant Classification Scheme 2023. Collection method: clinical testing. Allele origin: germline.

Revvity Omics, Revvity
Classification: Uncertain significance. Last evaluated: 2021-07-21. Review status: criteria provided, single submitter. Criteria: ACMG Guidelines, 2015. Collection method: clinical testing. Allele origin: germline.

Eurofins Ntd Llc (ga)
Classification: Uncertain significance. Last evaluated: 2015-03-20. Review status: criteria provided, single submitter. Criteria: EGL Classification Definitions 2015. Collection method: clinical testing. Allele origin: germline. Observed: 1 variant allele, 1 heterozygote.